The following is an entry in ClinVar:

ClinVar aggregate classification (germline): Likely pathogenic (1 of 4 stars; one submission).

Conditions:
Dilated cardiomyopathy 1G (CMD1G). Identifiers: Orphanet 154, MedGen C1858763, MONDO:0011400, OMIM 604145.

Submission:

Juno Genomics, Hangzhou Juno Genomics, Inc
Classification: Likely pathogenic for Dilated cardiomyopathy 1G. Review status: criteria provided, single submitter. Criteria: ACMG Guidelines, 2015. Collection method: clinical testing. Allele origin: germline.
Comment: Absent from controls (or at extremely low frequency if recessive) in Genome Aggregation Database.;Null variant in a gene where loss of function (LOF) is a known mechanism of disease.

NM_001267550.2(TTN):c.98381del (p.Gly32794fs)

Genes: TTN (titin; minus strand), TTN-AS1 (TTN antisense RNA 1; plus strand). Cytogenetic location: 2q31.2.
Variant type: Deletion.
Coding change: c.98381del on transcript NM_001267550.2 (MANE Select); coding-DNA position 98381, one base deleted (G; older notation c.98381delG).
Protein change: p.Gly32794fs; shifts the reading frame from glycine 32794.
Molecular consequence: frameshift variant. On other transcripts: non-coding transcript variant (1).
Genome position (GRCh38, 1-based): chr2:178,539,684, C deleted on the plus strand (G on the coding strand, the reverse complement: TTN is on the minus strand); the first of 2 consecutive C bases (chr2:178,539,684-178,539,685); deleting either gives the same sequence. VCF-style (leftmost placement, unchanged base first): chr2-178539683-TC-T. GRCh37 (hg19) VCF-style: chr2-179404410-TC-T.
Other names: c.93458del, p.Gly31153fs (NM_001256850.1); c.71186del, p.Gly23729fs (NM_003319.4); c.90677del, p.Gly30226fs (NM_133378.4); c.71561del, p.Gly23854fs (NM_133432.3); c.71762del, p.Gly23921fs (NM_133437.4); short protein forms G23729fs, G23854fs, G23921fs, G30226fs, G31153fs, G32794fs.
Identifiers: ClinVar variation 4531241 (VCV004531241.2).
Genomic context (GRCh38, chr2:178,539,683, plus strand): 5'-CCTCACAGAGCGGACTTGGATGTCATCATATTCCAGTGGCCCTTCTGGACTGTTGGGACT[TC>T]CTATCACCCTGACCTTGATGTAGACAGCCTTCTTGCCACATTTATTTTCCAGAACCAGGT-3'